The following is an entry in ClinVar:

ClinVar aggregate classification (germline): Uncertain significance. Review status: criteria provided, multiple submitters, no conflicts (2 of 4 stars). 2 submissions from 2 submitters: Uncertain significance (2). Last evaluated 2026-01-21.

Allele frequency attached by ClinVar (database versions not stated): ExAC 0.00001.
gnomAD v4.1: 4 of 1,612,648 alleles (0.00025%); highest among the groups gnomAD compares: Non-Finnish European, 0.00034%; no homozygotes.

Submissions (2):

Labcorp Genetics (formerly Invitae), Labcorp
Classification: Uncertain significance. Last evaluated: 2026-01-21. Review status: criteria provided, single submitter. Criteria: Invitae Variant Classification Sherloc (09022015). Collection method: clinical testing. Allele origin: germline.
Comment: This sequence change replaces leucine, which is neutral and non-polar, with isoleucine, which is neutral and non-polar, at codon 2560 of the DCHS1 protein (p.Leu2560Ile). This variant is present in population databases (rs535256428, gnomAD 0.0009%). This variant has not been reported in the literature in individuals affected with DCHS1-related conditions. ClinVar contains an entry for this variant (Variation ID: 2641561). Invitae Evidence Modeling of protein sequence and biophysical properties (such as structural, functional, and spatial information, amino acid conservation, physicochemical variation, residue mobility, and thermodynamic stability) indicates that this missense variant is not expected to disrupt DCHS1 protein function with a negative predictive value of 80%. In summary, the available evidence is currently insufficient to determine the role of this variant in disease. Therefore, it has been classified as a Variant of Uncertain Significance.

CeGaT Center for Human Genetics Tuebingen
Classification: Uncertain significance. Last evaluated: 2022-11-01. Review status: criteria provided, single submitter. Criteria: CeGaT Center For Human Genetics Tuebingen Variant Classification Criteria Version 2. Collection method: clinical testing. Allele origin: germline. Affected: yes. Observed: 1 variant allele.

NM_003737.4(DCHS1):c.7678C>A (p.Leu2560Ile)

Gene: DCHS1 (dachsous cadherin-related 1; minus strand). Cytogenetic location: 11p15.4.
Variant type: single nucleotide variant.
Coding change: c.7678C>A on transcript NM_003737.4 (MANE Select); coding-DNA position 7678, C replaced by A.
Protein change: p.Leu2560Ile; replaces leucine 2560 with isoleucine.
Molecular consequence: missense variant.
Genome position (GRCh38, 1-based): chr11:6,623,998, G>T on the plus strand (C>A on the coding strand, the complement: DCHS1 is on the minus strand). VCF-style: chr11-6623998-G-T. GRCh37 (hg19) VCF-style: chr11-6645229-G-T.
Other names: short protein forms L2560I.
Identifiers: ClinVar variation 2641561 (VCV002641561.25), dbSNP rs535256428, ClinGen allele CA5859556.